The following is an entry in ClinVar:

NM_001737.5(C9):c.836C>G (p.Thr279Ser)

Gene: C9 (complement C9; minus strand). Cytogenetic location: 5p13.1.
Variant type: single nucleotide variant.
Coding change: c.836C>G on transcript NM_001737.5 (MANE Select); coding-DNA position 836, C replaced by G.
Protein change: p.Thr279Ser; replaces threonine 279 with serine.
Molecular consequence: missense variant.
Genome position (GRCh38, 1-based): chr5:39,315,809, G>C on the plus strand (C>G on the coding strand, the complement: C9 is on the minus strand). VCF-style: chr5-39315809-G-C. GRCh37 (hg19) VCF-style: chr5-39315911-G-C.
Other names: short protein forms T279S.
Identifiers: ClinVar variation 711418 (VCV000711418.15), dbSNP rs34625111, ClinGen allele CA3246887.

ClinVar aggregate classification (germline): Benign/Likely benign. Review status: criteria provided, multiple submitters, no conflicts (2 of 4 stars). 4 submissions from 4 submitters: Benign (2); Likely benign (1). 1 of the submissions does not count toward it. Last evaluated 2026-01-30.

Conditions:
C9-related disorder. Also called: C9-related condition.

Allele frequency attached by ClinVar (database versions not stated): ExAC 0.00199; gnomAD 0.00526 and 0.00560; TOPMed 0.00572; 1000 Genomes Project 0.00599; 1000 Genomes Project 30x 0.00656; ESP Exome Variant Server 0.00661.
gnomAD v4.1: 1,496 of 1,605,574 alleles (0.093%); highest among the groups gnomAD compares: African/African-American, 1.7%; 10 homozygotes.

Submissions (4):

Women's Health and Genetics/Laboratory Corporation of America, LabCorp
Classification: Likely benign. Last evaluated: 2026-01-30. Review status: criteria provided, single submitter. Criteria: LabCorp Variant Classification Summary - May 2015. Collection method: clinical testing. Allele origin: germline.
Comment: Variant summary: C9 c.836C>G (p.Thr279Ser) results in a conservative amino acid change in the encoded protein sequence. Algorithms developed to predict the effect of missense changes on protein structure and function all suggest that this variant is likely to be tolerated. The variant allele was found at a frequency of 0.0015 in 250040 control chromosomes, predominantly at a frequency of 0.02 within the African or African-American subpopulation in the gnomAD database, including 4 homozygotes. The observed variant frequency within African or African-American control individuals in the gnomAD database exceeds the estimated maximal expected allele frequency for disease-causing variants in C9. To our knowledge, no occurrence of c.836C>G in individuals affected with C9-related conditions and no experimental evidence demonstrating its impact on protein function have been reported. ClinVar contains an entry for this variant (Variation ID: 711418). Based on the evidence outlined above, the variant was classified as likely benign.

Labcorp Genetics (formerly Invitae), Labcorp
Classification: Benign. Last evaluated: 2026-01-22. Review status: criteria provided, single submitter. Criteria: Invitae Variant Classification Sherloc (09022015). Collection method: clinical testing. Allele origin: germline.

Breakthrough Genomics
Classification: Benign. Review status: criteria provided, single submitter. Criteria: ACMG Guidelines, 2015. Collection method: not provided. Allele origin: germline. Inheritance: Autosomal dominant inheritance. Affected: yes.

PreventionGenetics, part of Exact Sciences
Classification: Benign for C9-related condition. Last evaluated: 2019-07-11. Review status: no assertion criteria provided. Collection method: clinical testing. Allele origin: germline. Not counted in ClinVar's aggregate classification.
Comment: This variant is classified as benign based on ACMG/AMP sequence variant interpretation guidelines (Richards et al. 2015 PMID: 25741868, with internal and published modifications).